The following is an entry in ClinVar:

NM_004184.4(WARS1):c.1067A>T (p.Asn356Ile)

Gene: WARS1 (tryptophanyl-tRNA synthetase 1; minus strand). Cytogenetic location: 14q32.2.
Variant type: single nucleotide variant.
Coding change: c.1067A>T on transcript NM_004184.4 (MANE Select); coding-DNA position 1067, A replaced by T.
Protein change: p.Asn356Ile; replaces asparagine 356 with isoleucine.
Molecular consequence: missense variant.
Genome position (GRCh38, 1-based): chr14:100,342,444, T>A on the plus strand (A>T on the coding strand, the complement: WARS1 is on the minus strand). VCF-style: chr14-100342444-T-A. GRCh37 (hg19) VCF-style: chr14-100808781-T-A.
Other names: c.1067A>T, p.Asn356Ile (NM_173701.2); c.944A>T, p.Asn315Ile (NM_213645.2, NM_213646.2); short protein forms N315I, N356I.
Identifiers: ClinVar variation 4854400 (VCV004854400.1).

ClinVar aggregate classification (germline): Uncertain significance (1 of 4 stars; one submission).

Conditions:
Neuronopathy, distal hereditary motor, type 9. Also called: NEURONOPATHY, DISTAL HEREDITARY MOTOR, AUTOSOMAL DOMINANT 9; NEURONOPATHY, DISTAL HEREDITARY MOTOR, TYPE IX; NEUROPATHY, DISTAL HEREDITARY MOTOR, TYPE IX. Identifiers: MedGen C4540265, MONDO:0060585, OMIM 617721.

gnomAD v4.1: 2 of 1,613,740 alleles (0.00012%); highest among the groups gnomAD compares: East Asian, 0.0045%; no homozygotes.

Submission:

3billion
Classification: Uncertain significance for Neuronopathy, distal hereditary motor, type 9. Last evaluated: 2025-11-12. Review status: criteria provided, single submitter. Criteria: ACMG Guidelines, 2015. Collection method: clinical testing. Allele origin: germline. Affected: yes.
Comment: The variant is observed at an extremely low frequency in the gnomAD v4.1.0 dataset (total allele frequency: <0.001%). Predicted Consequence/Location: Missense variant. Missense changes are a common disease-causing mechanism. In silico tool predictions suggest damaging effect of the variant on gene or gene product [REVEL: 0.79 (>=0.6, sensitivity 0.68 and specificity 0.92); 3Cnet: 0.91 (> 0.75, sensitivity 0.96 and precision 0.92)]. The same nucleotide change resulting in the same amino acid change has been previously reported to be associated with WARS1-related disorder (PMID: 34813128). However, the evidence of pathogenicity is insufficient at this time. Therefore, this variant is classified as VUS according to the recommendation of ACMG/AMP guideline.

Literature cited by the submitters: PubMed 34813128.